The following is an entry in ClinVar:

NM_004380.3(CREBBP):c.3427G>A (p.Asp1143Asn)

Gene: CREBBP (CREB binding lysine acetyltransferase; minus strand). Cytogenetic location: 16p13.3.
Variant type: single nucleotide variant.
Coding change: c.3427G>A on transcript NM_004380.3 (MANE Select); coding-DNA position 3427, G replaced by A.
Protein change: p.Asp1143Asn; replaces aspartic acid 1143 with asparagine.
Molecular consequence: missense variant.
Genome position (GRCh38, 1-based): chr16:3,757,991, C>T on the plus strand (G>A on the coding strand, the complement: CREBBP is on the minus strand). VCF-style: chr16-3757991-C-T. GRCh37 (hg19) VCF-style: chr16-3807992-C-T.
Other names: c.3313G>A, p.Asp1105Asn (NM_001079846.1); short protein forms D1105N, D1143N.
Identifiers: ClinVar variation 2446324 (VCV002446324.2), dbSNP rs2151383777, ClinGen allele CA394568968.

ClinVar aggregate classification (germline): Uncertain significance (1 of 4 stars; one submission).

Submission:

GeneDx
Classification: Uncertain significance. Last evaluated: 2024-06-10. Review status: criteria provided, single submitter. Criteria: GeneDx Variant Classification Process June 2021. Collection method: clinical testing. Allele origin: germline.
Comment: Not observed at significant frequency in large population cohorts (gnomAD); In silico analysis supports that this missense variant has a deleterious effect on protein structure/function; Has not been previously published as pathogenic or benign to our knowledge